The following is an entry in ClinVar:

ClinVar aggregate classification (germline): Uncertain significance. Review status: criteria provided, multiple submitters, no conflicts (2 of 4 stars). 2 submissions from 2 submitters: Uncertain significance (2). Last evaluated 2025-06-11.

Submissions (2):

Dasa
Classification: Uncertain significance. Last evaluated: 2025-06-11. Review status: criteria provided, single submitter. Criteria: DASA Assertion Criteria. Collection method: clinical testing. Allele origin: germline.
Comment: NM_013275.6(ANKRD11):c.7830_7832dup (p.Gln2610dup) is an in-frame duplication predicted to duplicate glutamine at protein position 2610 without shifting the reading frame. This variant is absent from population databases. The currently available literature and clinical evidence are not sufficient to establish a definitive association between this variant and the reported condition. Therefore, this variant is classified as a variant of uncertain significance.

GeneDx
Classification: Uncertain significance. Last evaluated: 2024-10-01. Review status: criteria provided, single submitter. Criteria: GeneDx Variant Classification Process June 2021. Collection method: clinical testing. Allele origin: germline. Affected: yes.
Comment: Not observed at significant frequency in large population cohorts (gnomAD); In-frame duplication of 1 amino acid in a non-repeat region; Has not been previously published as pathogenic or benign to our knowledge

NM_013275.6(ANKRD11):c.7824GCA[4] (p.Gln2610_His2611insGln)

Gene: ANKRD11 (ankyrin repeat domain 11; minus strand). Cytogenetic location: 16q24.3.
Variant type: Microsatellite.
Coding change: c.7824GCA[4] on transcript NM_013275.6 (MANE Select); four copies in a row of the 3-base unit GCA starting at c.7824; the reference has three copies in a row; one copy, 3 bases duplicated; also written c.7830_7832dup.
Protein change: p.Gln2610_His2611insGln.
Molecular consequence: inframe insertion.
Genome position (GRCh38, 1-based): chr16:89,268,638-89,268,640, TGC duplicated on the plus strand (GCA on the coding strand, the reverse complement: ANKRD11 is on the minus strand); duplicating any 3 consecutive bases within chr16:89,268,638-89,268,646 gives the same sequence; the position shown is the placement nearest the transcript's 3' end. VCF-style (leftmost placement, unchanged base first): chr16-89268637-G-GTGC. GRCh37 (hg19) VCF-style: chr16-89335045-G-GTGC.
Other names: c.7824GCA[4], p.Gln2610_His2611insGln (NM_001256182.2, NM_001256183.2); c.7830_7832dup (NM_013275.6).
Identifiers: ClinVar variation 3776620 (VCV003776620.3).